The following is an entry in ClinVar:

NM_001351132.2(PEX5):c.552-3C>T

Gene: PEX5 (peroxisomal biogenesis factor 5; plus strand). Cytogenetic location: 12p13.31.
Variant type: single nucleotide variant.
Coding change: c.552-3C>T on transcript NM_001351132.2 (MANE Select); 3 bases into the intron before coding-DNA position 552, C replaced by T.
Molecular consequence: intron variant.
Genome position (GRCh38, 1-based): chr12:7,201,748, C>T. VCF-style: chr12-7201748-C-T. GRCh37 (hg19) VCF-style: chr12-7354344-C-T.
Other names: c.552-3C>T (NM_001351124.3, NM_001131026.2, NM_001351131.2 and 19 more transcripts); c.597-3C>T (NM_001351135.3, NM_001131023.2, NM_001351138.2).
Identifiers: ClinVar variation 1063753 (VCV001063753.7), dbSNP rs368653314, ClinGen allele CA6426195.

ClinVar aggregate classification (germline): Uncertain significance (1 of 4 stars; one submission).

Conditions:
Peroxisome biogenesis disorder 2B (PBD2B). Identifiers: Orphanet 44, MedGen C3550234, MONDO:0008736, OMIM 202370.

Allele frequency attached by ClinVar (database versions not stated): gnomAD exomes 0.00001 and 0.00002; ExAC 0.00002; gnomAD 0.00003; TOPMed 0.00003; ESP Exome Variant Server 0.00015; 1000 Genomes Project 0.00020; 1000 Genomes Project 30x 0.00031.
gnomAD v4.1: 13 of 1,609,638 alleles (0.00081%); highest among the groups gnomAD compares: African/African-American, 0.004%; no homozygotes.

Submission:

Labcorp Genetics (formerly Invitae), Labcorp
Classification: Uncertain significance for Peroxisome biogenesis disorder 2B. Last evaluated: 2024-10-22. Review status: criteria provided, single submitter. Criteria: Invitae Variant Classification Sherloc (09022015). Collection method: clinical testing. Allele origin: germline.
Comment: This sequence change falls in intron 6 of the PEX5 gene. It does not directly change the encoded amino acid sequence of the PEX5 protein. It affects a nucleotide within the consensus splice site. This variant is present in population databases (rs368653314, gnomAD 0.02%). This variant has not been reported in the literature in individuals affected with PEX5-related conditions. ClinVar contains an entry for this variant (Variation ID: 1063753). Variants that disrupt the consensus splice site are a relatively common cause of aberrant splicing (PMID: 17576681, 9536098). Algorithms developed to predict the effect of sequence changes on RNA splicing suggest that this variant is not likely to affect RNA splicing. In summary, the available evidence is currently insufficient to determine the role of this variant in disease. Therefore, it has been classified as a Variant of Uncertain Significance.

Literature cited by the submitters: PubMed 17576681; PubMed 9536098.